The following is an entry in ClinVar:

NM_003072.5(SMARCA4):c.3312A>G (p.Gln1104=)

Gene: SMARCA4 (SWI/SNF related BAF chromatin remodeling complex subunit ATPase 4; plus strand). Cytogenetic location: 19p13.2.
Variant type: single nucleotide variant.
Coding change: c.3312A>G on transcript NM_003072.5 (MANE Select); coding-DNA position 3312, A replaced by G.
Protein change: p.Gln1104=; no amino-acid change (glutamine 1104 retained).
Molecular consequence: synonymous variant. On other transcripts: non-coding transcript variant (1).
Genome position (GRCh38, 1-based): chr19:11,027,880, A>G. VCF-style: chr19-11027880-A-G. GRCh37 (hg19) VCF-style: chr19-11138556-A-G.
Other names: c.3312A>G, p.Gln1104= (NM_001128844.3, NM_001128845.2, NM_001128846.2 and 4 more transcripts).
Identifiers: ClinVar variation 823560 (VCV000823560.17), dbSNP rs1600336124, ClinGen allele CA505491800.
Genomic context (GRCh38, chr19:11,027,880, plus strand): 5'-TCTTGATAGAATTCTTCCCAAACTCCGAGCAACCAACCACAAAGTGCTGCTGTTCTGCCA[A>G]ATGACCTCCCTCATGACCATCATGGAAGATTACTTTGCGTATCGCGGCTTTAAATACCTC-3'
Protein context (NP_003063.2, residues 1094-1114): ATNHKVLLFC[Gln1104=]MTSLMTIMED

ClinVar aggregate classification (germline): Benign/Likely benign. Review status: criteria provided, multiple submitters, no conflicts (2 of 4 stars). 4 submissions from 4 submitters: Benign (1); Likely benign (3). Last evaluated 2026-07-14.

Conditions:
Intellectual disability, autosomal dominant 16 (CSS4). Also called: COFFIN-SIRIS SYNDROME 4. Identifiers: Orphanet 1465, MedGen C3553249, MONDO:0013821, OMIM 614609.
Rhabdoid tumor predisposition syndrome 2 (RTPS2). Identifiers: Orphanet 231108, Orphanet 69077, MedGen C2750074, MONDO:0013224, OMIM 613325.
Hereditary cancer-predisposing syndrome. Also called: Hereditary neoplastic syndrome; Neoplastic Syndromes, Hereditary; Tumor predisposition; Hereditary Cancer Syndrome. Identifiers: Orphanet 140162, MedGen C0027672, MeSH D009386, MONDO:0015356.

Submissions (4):

Myriad Genetics, Inc.
Classification: Benign for Rhabdoid tumor predisposition syndrome 2. Last evaluated: 2026-07-14. Review status: criteria provided, single submitter. Criteria: Myriad Autosomal Dominant, Autosomal Recessive and X-Linked Classification Criteria (2023). Collection method: clinical testing. Allele origin: unknown.
Comment: This variant is considered benign. This variant is a silent/synonymous amino acid change and it is not expected to impact splicing.

Labcorp Genetics (formerly Invitae), Labcorp
Classification: Likely benign for Rhabdoid tumor predisposition syndrome 2. Last evaluated: 2024-02-23. Review status: criteria provided, single submitter. Criteria: Invitae Variant Classification Sherloc (09022015). Collection method: clinical testing. Allele origin: germline.

Genome-Nilou Lab
Classification: Likely benign for Intellectual disability, autosomal dominant 16. Last evaluated: 2021-07-15. Review status: criteria provided, single submitter. Criteria: ACMG Guidelines, 2015. Collection method: clinical testing. Allele origin: germline. Affected: no.

Ambry Genetics
Classification: Likely benign for Hereditary cancer-predisposing syndrome. Last evaluated: 2017-12-16. Review status: criteria provided, single submitter. Criteria: Ambry Variant Classification Scheme 2023. Collection method: clinical testing. Allele origin: germline.